The following is an entry in ClinVar:

ClinVar aggregate classification (germline): Uncertain significance (1 of 4 stars; one submission).

Conditions:
Long QT syndrome (LQTS). Identifiers: MedGen C0023976, MeSH D008133, MONDO:0002442. Disease mechanism: loss of function. Inheritance: Various modes of inheritance.

Allele frequency attached by ClinVar (database versions not stated): gnomAD exomes below 0.00001.
gnomAD v4.1: 2 of 1,614,096 alleles (0.00012%); highest among the groups gnomAD compares: Non-Finnish European, 0.00017%; no homozygotes.

Submission:

Labcorp Genetics (formerly Invitae), Labcorp
Classification: Uncertain significance for Long QT syndrome. Last evaluated: 2024-01-11. Review status: criteria provided, single submitter. Criteria: Invitae Variant Classification Sherloc (09022015). Collection method: clinical testing. Allele origin: germline.
Comment: This sequence change replaces tyrosine, which is neutral and polar, with cysteine, which is neutral and slightly polar, at codon 403 of the KCNH2 protein (p.Tyr403Cys). This variant is not present in population databases (gnomAD no frequency). This variant has not been reported in the literature in individuals affected with KCNH2-related conditions. An algorithm developed to predict the effect of missense changes on protein structure and function (PolyPhen-2) suggests that this variant is likely to be disruptive. In summary, the available evidence is currently insufficient to determine the role of this variant in disease. Therefore, it has been classified as a Variant of Uncertain Significance.

NM_000238.4(KCNH2):c.1208A>G (p.Tyr403Cys)

Gene: KCNH2 (potassium voltage-gated channel subfamily H member 2; minus strand). Cytogenetic location: 7q36.1.
Variant type: single nucleotide variant.
Coding change: c.1208A>G on transcript NM_000238.4 (MANE Select); coding-DNA position 1208, A replaced by G.
Protein change: p.Tyr403Cys; replaces tyrosine 403 with cysteine.
Molecular consequence: missense variant. On other transcripts: non-coding transcript variant (2).
Genome position (GRCh38, 1-based): chr7:150,952,774, T>C on the plus strand (A>G on the coding strand, the complement: KCNH2 is on the minus strand). VCF-style: chr7-150952774-T-C. GRCh37 (hg19) VCF-style: chr7-150649862-T-C.
Other names: c.188A>G, p.Tyr63Cys (NM_001204798.2, NM_172057.3); c.920A>G, p.Tyr307Cys (NM_001406753.1, NM_001406756.1); c.1031A>G, p.Tyr344Cys (NM_001406755.1); c.908A>G, p.Tyr303Cys (NM_001406757.1); c.1208A>G, p.Tyr403Cys (NM_172056.3); short protein forms Y307C, Y403C, Y303C, Y344C, Y63C.
Identifiers: ClinVar variation 2754438 (VCV002754438.3), dbSNP rs768122072, ClinGen allele CA169078664.